The following is an entry in ClinVar:

NM_001001557.4(GDF6):c.212C>T (p.Pro71Leu)

Gene: GDF6 (growth differentiation factor 6; minus strand). Cytogenetic location: 8q22.1.
Variant type: single nucleotide variant.
Coding change: c.212C>T on transcript NM_001001557.4 (MANE Select); coding-DNA position 212, C replaced by T.
Protein change: p.Pro71Leu; replaces proline 71 with leucine.
Molecular consequence: missense variant.
Genome position (GRCh38, 1-based): chr8:96,160,481, G>A on the plus strand (C>T on the coding strand, the complement: GDF6 is on the minus strand). VCF-style: chr8-96160481-G-A. GRCh37 (hg19) VCF-style: chr8-97172709-G-A.
Other names: c.212C>T (NM_001001557.2); short protein forms P71L.
Identifiers: ClinVar variation 2940612 (VCV002940612.4), dbSNP rs2487849508, ClinGen allele CA371753718.

ClinVar aggregate classification (germline): Uncertain significance. Review status: criteria provided, multiple submitters, no conflicts (2 of 4 stars). 2 submissions from 2 submitters: Uncertain significance (2). Last evaluated 2025-11-26.

Conditions:
Inborn genetic diseases. Identifiers: MedGen C0950123, MeSH D030342.
Klippel-Feil syndrome 1, autosomal dominant (KFS1). Also called: CERVICAL VERTEBRAL FUSION, AUTOSOMAL DOMINANT. Identifiers: Orphanet 2345, MedGen C1861689, MONDO:0007306, OMIM 118100.
Isolated microphthalmia 4. Identifiers: Orphanet 2542, MedGen C2751307, MONDO:0013130, OMIM 613094.
Microphthalmia, isolated, with coloboma 6 (MCOPCB6). Also called: MICROPHTHALMIA/COLOBOMA 6; Microphthalmia with coloboma 6, digenic; Microphthalmia with coloboma 6. Identifiers: Orphanet 98938, MedGen C3150968, MONDO:0013376, OMIM 613703.
Leber congenital amaurosis 17 (LCA17). Identifiers: Orphanet 65, MedGen C3715164, MONDO:0014145, OMIM 615360.

Allele frequency attached by ClinVar (database versions not stated): gnomAD exomes below 0.00001.
gnomAD v4.1: 3 of 1,612,778 alleles (0.00019%); highest among the groups gnomAD compares: South Asian, 0.0011%; no homozygotes.

Submissions (2):

Ambry Genetics
Classification: Uncertain significance for Inborn genetic diseases. Last evaluated: 2025-11-26. Review status: criteria provided, single submitter. Criteria: Ambry Variant Classification Scheme 2023. Collection method: clinical testing. Allele origin: germline.

Labcorp Genetics (formerly Invitae), Labcorp
Classification: Uncertain significance for Isolated microphthalmia 4; Leber congenital amaurosis 17; Klippel-Feil syndrome 1, autosomal dominant; Microphthalmia, isolated, with coloboma 6. Last evaluated: 2023-08-23. Review status: criteria provided, single submitter. Criteria: Invitae Variant Classification Sherloc (09022015). Collection method: clinical testing. Allele origin: germline.
Comment: This sequence change replaces proline, which is neutral and non-polar, with leucine, which is neutral and non-polar, at codon 71 of the GDF6 protein (p.Pro71Leu). This variant is not present in population databases (gnomAD no frequency). This variant has not been reported in the literature in individuals affected with GDF6-related conditions. An algorithm developed to predict the effect of missense changes on protein structure and function (PolyPhen-2) suggests that this variant is likely to be tolerated. In summary, the available evidence is currently insufficient to determine the role of this variant in disease. Therefore, it has been classified as a Variant of Uncertain Significance.